The following is an entry in ClinVar:

ClinVar aggregate classification (germline): Uncertain significance (1 of 4 stars; one submission).

Allele frequency attached by ClinVar (database versions not stated): TOPMed 0.00001.
gnomAD v4.1: 14 of 1,614,046 alleles (0.00087%); highest among the groups gnomAD compares: Non-Finnish European, 0.0011%; no homozygotes.

Submission:

Labcorp Genetics (formerly Invitae), Labcorp
Classification: Uncertain significance. Last evaluated: 2022-09-21. Review status: criteria provided, single submitter. Criteria: Invitae Variant Classification Sherloc (09022015). Collection method: clinical testing. Allele origin: germline.
Comment: This variant has not been reported in the literature in individuals affected with MYO18B-related conditions. This variant is present in population databases (rs569836815, gnomAD 0.002%). This sequence change replaces leucine, which is neutral and non-polar, with isoleucine, which is neutral and non-polar, at codon 591 of the MYO18B protein (p.Leu591Ile). Algorithms developed to predict the effect of missense changes on protein structure and function are either unavailable or do not agree on the potential impact of this missense change (SIFT: "Not Available"; PolyPhen-2: "Probably Damaging"; Align-GVGD: "Not Available"). In summary, the available evidence is currently insufficient to determine the role of this variant in disease. Therefore, it has been classified as a Variant of Uncertain Significance.

NM_032608.7(MYO18B):c.1771C>A (p.Leu591Ile)

Gene: MYO18B (myosin XVIIIB; plus strand). Cytogenetic location: 22q12.1.
Variant type: single nucleotide variant.
Coding change: c.1771C>A on transcript NM_032608.7 (MANE Select); coding-DNA position 1771, C replaced by A.
Protein change: p.Leu591Ile; replaces leucine 591 with isoleucine.
Molecular consequence: missense variant.
Genome position (GRCh38, 1-based): chr22:25,772,412, C>A. VCF-style: chr22-25772412-C-A. GRCh37 (hg19) VCF-style: chr22-26168379-C-A.
Other names: c.1771C>A, p.Leu591Ile (NM_001318245.2); short protein forms L591I.
Identifiers: ClinVar variation 1897795 (VCV001897795.5), dbSNP rs569836815, ClinGen allele CA322782556.